The following is an entry in ClinVar:

NM_001367624.2(ZNF469):c.3859A>G (p.Thr1287Ala)

Gene: ZNF469 (zinc finger protein 469; plus strand). Cytogenetic location: 16q24.2.
Variant type: single nucleotide variant.
Coding change: c.3859A>G on transcript NM_001367624.2 (MANE Select); coding-DNA position 3859, A replaced by G.
Protein change: p.Thr1287Ala; replaces threonine 1287 with alanine.
Molecular consequence: missense variant.
Genome position (GRCh38, 1-based): chr16:88,431,329, A>G. VCF-style: chr16-88431329-A-G. GRCh37 (hg19) VCF-style: chr16-88497737-A-G.
Other names: NM_001127464.1:c.3775A>G; short protein forms T1287A.
Identifiers: ClinVar variation 1734787 (VCV001734787.2), dbSNP rs1289535638, ClinGen allele CA397087484.

ClinVar aggregate classification (germline): Uncertain significance (1 of 4 stars; one submission).

Conditions:
Cardiovascular phenotype. Identifiers: MedGen CN230736.

Allele frequency attached by ClinVar (database versions not stated): gnomAD 0.00001; TOPMed 0.00001.
gnomAD v4.1: 1 of 1,549,260 alleles (0.000065%); highest among the groups gnomAD compares: Non-Finnish European, 0.000087%; no homozygotes.

Submission:

Ambry Genetics
Classification: Uncertain significance for Cardiovascular phenotype. Last evaluated: 2022-07-08. Review status: criteria provided, single submitter. Criteria: Ambry Variant Classification Scheme 2023. Collection method: clinical testing. Allele origin: germline.
Comment: The p.T1259A variant (also known as c.3775A>G), located in coding exon 2 of the ZNF469 gene, results from an A to G substitution at nucleotide position 3775. The threonine at codon 1259 is replaced by alanine, an amino acid with similar properties. This amino acid position is conserved. In addition, this alteration is predicted to be tolerated by in silico analysis. Since supporting evidence is limited at this time, the clinical significance of this alteration remains unclear.